The following is an entry in ClinVar:

ClinVar aggregate classification (germline): Pathogenic (1 of 4 stars; one submission).

Conditions:
Developmental and epileptic encephalopathy, 23 (DEE23). Also called: Epileptic encephalopathy, early infantile, 23. Identifiers: Orphanet 411986, MedGen C4014492, MONDO:0014371, OMIM 615859.

Submission:

Labcorp Genetics (formerly Invitae), Labcorp
Classification: Pathogenic for Developmental and epileptic encephalopathy, 23. Last evaluated: 2023-04-17. Review status: criteria provided, single submitter. Criteria: Invitae Variant Classification Sherloc (09022015). Collection method: clinical testing. Allele origin: unknown.
Comment: For these reasons, this variant has been classified as Pathogenic. This variant has not been reported in the literature in individuals affected with DOCK7-related conditions. This variant is a gross deletion of the genomic region encompassing exon(s) 16-30 of the DOCK7 gene. This deletion is out-of-frame, and is expected to create a premature termination codon and result in an absent or disrupted protein product. Loss-of-function variants in DOCK7 are known to be pathogenic (PMID: 24814191).

Literature cited by the submitters: PubMed 24814191.

NC_000001.10:g.(?_62994928)_(63048945_?)del

Gene: DOCK7 (dedicator of cytokinesis 7; minus strand). Cytogenetic location: 1p31.3.
Variant type: Deletion.
Identifiers: ClinVar variation 3247843 (VCV003247843.1).